The following is an entry in ClinVar:

NM_018060.4(IARS2):c.515C>G (p.Ala172Gly)

Gene: IARS2 (isoleucyl-tRNA synthetase 2, mitochondrial; plus strand). Cytogenetic location: 1q41.
Variant type: single nucleotide variant.
Coding change: c.515C>G on transcript NM_018060.4 (MANE Select); coding-DNA position 515, C replaced by G.
Protein change: p.Ala172Gly; replaces alanine 172 with glycine.
Molecular consequence: missense variant.
Genome position (GRCh38, 1-based): chr1:220,100,614, C>G. VCF-style: chr1-220100614-C-G. GRCh37 (hg19) VCF-style: chr1-220273956-C-G.
Other names: c.515C>G (NM_018060.3); short protein forms A172G.
Identifiers: ClinVar variation 1362997 (VCV001362997.7), dbSNP rs141275528, ClinGen allele CA1401120.

ClinVar aggregate classification (germline): Conflicting classifications of pathogenicity. Review status: criteria provided, conflicting classifications (1 of 4 stars). 3 submissions from 3 submitters: Uncertain significance (2); Likely benign (1). Last evaluated 2024-04-18.

Conditions:
Inborn genetic diseases. Identifiers: MedGen C0950123, MeSH D030342.

Allele frequency attached by ClinVar (database versions not stated): ExAC 0.00007; gnomAD 0.00012 and 0.00013; gnomAD exomes 0.00012 and 0.00015; ESP Exome Variant Server 0.00015.
gnomAD v4.1: 225 of 1,610,324 alleles (0.014%); highest among the groups gnomAD compares: Non-Finnish European, 0.018%; no homozygotes.

Submissions (3):

GeneDx
Classification: Uncertain significance. Last evaluated: 2024-04-18. Review status: criteria provided, single submitter. Criteria: GeneDx Variant Classification Process June 2021. Collection method: clinical testing. Allele origin: germline. Affected: yes.
Comment: In silico analysis indicates that this missense variant does not alter protein structure/function; Has not been previously published as pathogenic or benign to our knowledge

Ambry Genetics
Classification: Likely benign for Inborn genetic diseases. Last evaluated: 2023-12-20. Review status: criteria provided, single submitter. Criteria: Ambry Variant Classification Scheme 2023. Collection method: clinical testing. Allele origin: germline.

Labcorp Genetics (formerly Invitae), Labcorp
Classification: Uncertain significance. Last evaluated: 2023-11-27. Review status: criteria provided, single submitter. Criteria: Invitae Variant Classification Sherloc (09022015). Collection method: clinical testing. Allele origin: germline.
Comment: This sequence change replaces alanine, which is neutral and non-polar, with glycine, which is neutral and non-polar, at codon 172 of the IARS2 protein (p.Ala172Gly). This variant is present in population databases (rs141275528, gnomAD 0.02%). This variant has not been reported in the literature in individuals affected with IARS2-related conditions. ClinVar contains an entry for this variant (Variation ID: 1362997). An algorithm developed to predict the effect of missense changes on protein structure and function (PolyPhen-2) suggests that this variant¬†is likely to be tolerated. In summary, the available evidence is currently insufficient to determine the role of this variant in disease. Therefore, it has been classified as a Variant of Uncertain Significance.